The following is an entry in ClinVar:

NM_207581.4(DUOXA2):c.205+2T>C

Gene: DUOXA2 (dual oxidase maturation factor 2; plus strand). Cytogenetic location: 15q21.1.
Variant type: single nucleotide variant.
Coding change: c.205+2T>C on transcript NM_207581.4 (MANE Select); the canonical splice donor site of the intron after coding-DNA position 205, T replaced by C.
Molecular consequence: splice donor variant.
Genome position (GRCh38, 1-based): chr15:45,115,858, T>C. VCF-style: chr15-45115858-T-C. GRCh37 (hg19) VCF-style: chr15-45408056-T-C.
Identifiers: ClinVar variation 265105 (VCV000265105.17), dbSNP rs201506037, ClinGen allele CA7539271.

ClinVar aggregate classification (germline): Conflicting classifications of pathogenicity. Review status: criteria provided, conflicting classifications (1 of 4 stars). 8 submissions from 8 submitters: Pathogenic (1); Uncertain significance (2); Benign (1); Likely benign (1). 3 of the submissions do not count toward it. Last evaluated 2024-12-17.

Conditions:
DUOXA2-related disorder. Also called: DUOXA2-related condition.
Thyroglobulin synthesis defect (TDH5). Also called: HYPOTHYROIDISM, CONGENITAL, DUE TO DYSHORMONOGENESIS, 5; THYROID HORMONOGENESIS, GENETIC DEFECT IN, 5; Thyroid dyshormonogenesis 5. Identifiers: Orphanet 95716, MedGen C0342196, MONDO:0010137, OMIM 274900.
Inborn genetic diseases. Identifiers: MedGen C0950123, MeSH D030342.
Congenital hypothyroidism. Identifiers: Orphanet 442, MedGen C0010308, MONDO:0018612, HP:0000851.

Allele frequency attached by ClinVar (database versions not stated): gnomAD 0.00028 and 0.00029; TOPMed 0.00032; ExAC 0.00038; ESP Exome Variant Server 0.00040; gnomAD exomes 0.00048.

Submissions (8):

Women's Health and Genetics/Laboratory Corporation of America, LabCorp
Classification: Uncertain significance. Last evaluated: 2024-12-17. Review status: criteria provided, single submitter. Criteria: LabCorp Variant Classification Summary - May 2015. Collection method: clinical testing. Allele origin: germline.
Comment: Variant summary: DUOXA2 c.205+2T>C is located in a canonical splice-site and is predicted to affect mRNA splicing resulting in a significantly altered protein due to either exon skipping, shortening, or inclusion of intronic material. Variants that disrupt the consensus splice site are a relatively common cause of aberrant splicing and loss of DUOXA2 function. Several computational tools predict a significant impact on normal splicing: Three predict the variant abolishes the canonical 5' splicing donor site. One predict the variant weakens the canonical 5' splicing donor site. However, these predictions have yet to be confirmed by functional studies. The variant allele was found at a frequency of 0.00048 in 250150 control chromosomes. This frequency is not significantly higher than estimated for a pathogenic variant in DUOXA2 causing Thyroglobulin synthesis defect, allowing no conclusion about variant significance. c.205+2T>C has been reported in the literature as a non-informative genotype (a second variant presumably in cis or a heterozygous genotype) in settings of multigene panel analysis in cohorts of individuals with Congenital Hypothyroidism due to Dyshormonogenesis or deeply phenotyped adults undergoing whole genome sequencing (example, Stoupa_2020, Hou_2020). It has also been observed as a non-informative genotype in settings of multiomic analyses in human participants of a wellness program (example, Grasberger_2020). These report(s) do not provide unequivocal conclusions about association of the variant with Thyroglobulin synthesis defect. To our knowledge, no experimental evidence demonstrating an impact on protein function has been reported. The following publications have been ascertained in the context of this evaluation (PMID: 33651715, 31980526, 33692749). ClinVar contains an entry for this variant (Variation ID: 265105). Based on the evidence outlined above, the variant was classified as uncertain significance.

Labcorp Genetics (formerly Invitae), Labcorp
Classification: Benign. Last evaluated: 2023-09-14. Review status: criteria provided, single submitter. Criteria: Invitae Variant Classification Sherloc (09022015). Collection method: clinical testing. Allele origin: germline.

3billion
Classification: Pathogenic for Thyroglobulin synthesis defect. Last evaluated: 2023-02-23. Review status: criteria provided, single submitter. Criteria: ACMG Guidelines, 2015. Collection method: clinical testing. Allele origin: unknown. Affected: yes.
Comment: The variant is observed at an extremely low frequency in the gnomAD v2.1.1 dataset (total allele frequency: 0.046%). This variant was predicted to alter splicing and result in a loss or disruption of normal protein function. Multiple pathogenic loss-of-function variants are reported downstream of the variant. The variant has been reported to be associated with DUOXA2 related disorder (ClinVar ID: VCV000265105). Therefore, this variant is classified as Pathogenic according to the recommendation of ACMG/AMP guideline.

Ambry Genetics
Classification: Likely benign for Inborn genetic diseases. Last evaluated: 2021-07-26. Review status: criteria provided, single submitter. Criteria: Ambry Variant Classification Scheme 2023. Collection method: clinical testing. Allele origin: germline.

GeneDx
Classification: Uncertain significance. Last evaluated: 2019-07-15. Review status: criteria provided, single submitter. Criteria: GeneDx Variant Classification Process June 2021. Collection method: clinical testing. Allele origin: germline. Affected: yes.
Comment: Canonical splice site variant in a gene for which loss-of-function is a known mechanism of disease; Has not been previously published as pathogenic or benign to our knowledge; This variant is associated with the following publications: (PMID: 31980526, 31589614, 33692749)

PreventionGenetics, part of Exact Sciences
Classification: Likely pathogenic for DUOXA2-related condition. Last evaluated: 2024-07-22. Review status: no assertion criteria provided. Collection method: clinical testing. Allele origin: germline. Not counted in ClinVar's aggregate classification.
Comment: The DUOXA2 c.205+2T>C variant is predicted to disrupt the GT donor site and interfere with normal splicing. This variant was reported, along with another missense variant in DUOXA2 and two additional variants in the TG gene, in an individual with congenital thyroid dyshormonogenesis (Patient 8, Stoupa et al. 2020. PubMed ID: 33692749). Of note, family follow-up testing to determine phase of the DUOXA2 or TG variants in that patient were not performed. Gene disrupting variants in DUOXA2 are expected to be pathogenic and are associated with autosomal recessive thyroid dyshormonogenesis 5 (OMIM: #612772; Human Gene Mutation Database). In summary, we interpret this variant as likely pathogenic.

Reproductive Health Research and Development, BGI Genomics
Classification: Uncertain significance for Thyroid dyshormonogenesis 5. Last evaluated: 2020-01-06. Review status: no assertion criteria provided. Collection method: curation. Allele origin: germline. Not counted in ClinVar's aggregate classification.
Comment: NG_016992.1(NM_207581.3):c.205+2T>C in the DUOXA2 gene has an allele frequency of 0.01 in Ashkenazi Jewish subpopulation in the gnomAD database. This variant destroys the canonical splice donor site. It is predicted to cause abnormal gene splicing, either leading to an abnormal message that is subject to nonsense-mediated mRNA decay or to an abnormal protein product if the message is used for protein translation. The c.205+2T>C variant has not been reported previously as a pathogenic variant, nor as a benign variant, to our knowledge. We interpret it as variant of uncertain significance (VUS). ACMG/AMP criteria applied: PVS1.

Polak associated Lab, IMAGINE Institute
Classification: Pathogenic for Congenital hypothyroidism. Review status: no assertion criteria provided. Collection method: clinical testing. Allele origin: germline. Affected: yes. Not counted in ClinVar's aggregate classification.

Literature cited by the submitters: PubMed 31980526 (cited by Women's Health and Genetics/Laboratory Corporation of America, LabCorp); PubMed 33651715 (cited by Women's Health and Genetics/Laboratory Corporation of America, LabCorp); PubMed 33692749 (cited by Women's Health and Genetics/Laboratory Corporation of America, LabCorp).